The following is an entry in ClinVar:

ClinVar aggregate classification (germline): Uncertain significance. Review status: criteria provided, multiple submitters, no conflicts (2 of 4 stars). 2 submissions from 2 submitters: Uncertain significance (2). Last evaluated 2024-09-05.

Conditions:
Inborn genetic diseases. Identifiers: MedGen C0950123, MeSH D030342.

Allele frequency attached by ClinVar (database versions not stated): gnomAD exomes below 0.00001.
gnomAD v4.1: 3 of 1,614,136 alleles (0.00019%); highest among the groups gnomAD compares: Non-Finnish European, 0.000085%; no homozygotes.

Submissions (2):

GeneDx
Classification: Uncertain significance. Last evaluated: 2024-09-05. Review status: criteria provided, single submitter. Criteria: GeneDx Variant Classification Process June 2021. Collection method: clinical testing. Allele origin: germline. Affected: yes.
Comment: Not observed at significant frequency in large population cohorts (gnomAD); In silico analysis supports that this missense variant has a deleterious effect on protein structure/function; Has not been previously published as pathogenic or benign to our knowledge

Ambry Genetics
Classification: Uncertain significance for Inborn genetic diseases. Last evaluated: 2023-09-21. Review status: criteria provided, single submitter. Criteria: Ambry Variant Classification Scheme 2023. Collection method: clinical testing. Allele origin: germline.

NM_177550.5(SLC13A5):c.746A>G (p.Asn249Ser)

Gene: SLC13A5 (solute carrier family 13 member 5; minus strand). Cytogenetic location: 17p13.1.
Variant type: single nucleotide variant.
Coding change: c.746A>G on transcript NM_177550.5 (MANE Select); coding-DNA position 746, A replaced by G.
Protein change: p.Asn249Ser; replaces asparagine 249 with serine.
Molecular consequence: missense variant.
Genome position (GRCh38, 1-based): chr17:6,701,097, T>C on the plus strand (A>G on the coding strand, the complement: SLC13A5 is on the minus strand). VCF-style: chr17-6701097-T-C. GRCh37 (hg19) VCF-style: chr17-6604416-T-C.
Other names: c.746A>G, p.Asn249Ser (NM_001143838.3); c.695A>G, p.Asn232Ser (NM_001284509.2); c.617A>G, p.Asn206Ser (NM_001284510.2); c.746A>G (NM_177550.3); short protein forms N249S, N206S, N232S.
Identifiers: ClinVar variation 423304 (VCV000423304.4), dbSNP rs1051493638, ClinGen allele CA16620586.